The following is an entry in ClinVar:

ClinVar aggregate classification (germline): Pathogenic. Review status: criteria provided, multiple submitters, no conflicts (2 of 4 stars). 6 submissions from 6 submitters: Pathogenic (4). 2 of the submissions do not count toward it. Last evaluated 2024-12-05.

Conditions:
Mitochondrial disease. Also called: Mitochondrial disorder; Mitochondrial disorders. Identifiers: Orphanet 68380, MedGen C0751651, MeSH D028361, MONDO:0044970.
Optic atrophy with or without deafness, ophthalmoplegia, myopathy, ataxia, and neuropathy. Also called: OPTIC ATROPHY PLUS SYNDROME. Identifiers: MedGen C3276549, MONDO:0007429, OMIM 125250.
Autosomal dominant optic atrophy classic form (OPA1). Also called: Optic Atrophy Type 1; KJER-TYPE OPTIC ATROPHY; OPTIC ATROPHY, JUVENILE. Identifiers: Orphanet 98673, MedGen C0338508, MONDO:0008134, OMIM 165500.
Optic atrophy. Identifiers: MedGen C0029124, MONDO:0003608, HP:0000648.

Submissions (6):

Labcorp Genetics (formerly Invitae), Labcorp
Classification: Pathogenic. Last evaluated: 2024-12-05. Review status: criteria provided, single submitter. Criteria: Invitae Variant Classification Sherloc (09022015). Collection method: clinical testing. Allele origin: germline.
Comment: This sequence change replaces serine, which is neutral and polar, with arginine, which is basic and polar, at codon 545 of the OPA1 protein (p.Ser545Arg). This variant is not present in population databases (gnomAD no frequency). This missense change has been observed in individual(s) with autosomal dominant OPA1-related conditions (PMID: 18065439, 18158317). It has also been observed to segregate with disease in related individuals. ClinVar contains an entry for this variant (Variation ID: 30461). Invitae Evidence Modeling of protein sequence and biophysical properties (such as structural, functional, and spatial information, amino acid conservation, physicochemical variation, residue mobility, and thermodynamic stability) has been performed for this missense variant. However, the output from this modeling did not meet the statistical confidence thresholds required to predict the impact of this variant on OPA1 protein function. For these reasons, this variant has been classified as Pathogenic.

Centre for Inherited Metabolic Diseases, Karolinska University Hospital
Classification: Pathogenic for Autosomal dominant optic atrophy classic form. Last evaluated: 2022-11-22. Review status: criteria provided, single submitter. Criteria: ACMG Guidelines, 2015. Collection method: clinical testing. Allele origin: de novo. Inheritance: Autosomal dominant inheritance. Affected: yes. Observed: 1 heterozygote.

Athena Diagnostics
Classification: Pathogenic. Last evaluated: 2021-01-25. Review status: criteria provided, single submitter. Criteria: Athena Diagnostics criteria. Collection method: clinical testing. Allele origin: unknown.
Comment: This variant has not been reported in large, multi-ethnic general populations. This variant appears to segregate with disease in at least one family. Assessment of experimental evidence suggests this variant results in abnormal protein function. This variant reduced the protein's GTP hydrolysis activity (PMID: 20185555, 30293569).

Institute of Human Genetics, Univ. Regensburg, Univ. Regensburg
Classification: Pathogenic for Optic atrophy. Last evaluated: 2017-01-01. Review status: criteria provided, single submitter. Criteria: ACMG Guidelines, 2015. Collection method: clinical testing. Allele origin: germline. Affected: yes.

Mitochondrial Research Group, Newcastle University
Classification: Pathogenic for Mitochondrial disease. Last evaluated: 2017-04-07. Review status: no assertion criteria provided. Collection method: clinical testing. Allele origin: germline. Affected: yes. Observed: 2 variant alleles. Not counted in ClinVar's aggregate classification.

OMIM
Classification: Pathogenic for OPTIC ATROPHY WITH OR WITHOUT DEAFNESS, OPHTHALMOPLEGIA, MYOPATHY, ATAXIA, AND NEUROPATHY. Last evaluated: 2010-03-01. Review status: no assertion criteria provided. Collection method: literature only. Allele origin: germline. Not counted in ClinVar's aggregate classification.

Literature cited by the submitters: PubMed 18065439 (cited by 3 submitters); PubMed 18158317 (cited by Labcorp Genetics (formerly Invitae), Labcorp and Athena Diagnostics); PubMed 20185555 (cited by Athena Diagnostics); PubMed 20157015 (cited by Athena Diagnostics and OMIM); PubMed 22433900 (cited by Athena Diagnostics); PubMed 20417570 (cited by Athena Diagnostics); PubMed 19319978 (cited by Athena Diagnostics); PubMed 28378518 (cited by Athena Diagnostics); PubMed 30293569 (cited by Athena Diagnostics); PubMed 28812649 (cited by Mitochondrial Research Group, Newcastle University).

NM_130837.3(OPA1):c.1800C>G (p.Ser600Arg)

Genes: OPA1 (OPA1 mitochondrial dynamin like GTPase; plus strand), LOC126806913 (BRD4-independent group 4 enhancer GRCh37_chr3:193364377-193365576; plus strand). Cytogenetic location: 3q29.
Variant type: single nucleotide variant.
Coding change: c.1800C>G on transcript NM_130837.3 (MANE Select); coding-DNA position 1800, C replaced by G.
Protein change: p.Ser600Arg; replaces serine 600 with arginine.
Molecular consequence: missense variant.
Genome position (GRCh38, 1-based): chr3:193,647,110, C>G. VCF-style: chr3-193647110-C-G. GRCh37 (hg19) VCF-style: chr3-193364899-C-G.
Other names: c.1266C>G, p.Ser422Arg (NM_001354663.2); c.1263C>G, p.Ser421Arg (NM_001354664.2); c.1635C>G, p.Ser545Arg (NM_015560.3); c.1527C>G, p.Ser509Arg (NM_130831.3); c.1581C>G, p.Ser527Arg (NM_130832.3); c.1638C>G, p.Ser546Arg (NM_130833.3); c.1689C>G, p.Ser563Arg (NM_130834.3); c.1692C>G, p.Ser564Arg (NM_130835.3); and 1 more; short protein forms S545R, S600R, S421R, S564R, S582R, S422R, S527R, S546R.
Identifiers: ClinVar variation 30461 (VCV000030461.13), dbSNP rs398124298, ClinGen allele CA10575554.